The following is an entry in ClinVar:

NM_001122630.2(CDKN1C):c.35_50del (p.Val12fs)

Gene: CDKN1C (cyclin dependent kinase inhibitor 1C; minus strand). Cytogenetic location: 11p15.4.
Variant type: Deletion.
Coding change: c.35_50del on transcript NM_001122630.2 (MANE Select); coding-DNA positions 35 to 50, 16 bases deleted (TACTAGTGCGCACCAG).
Protein change: p.Val12fs; shifts the reading frame from valine 12.
Molecular consequence: frameshift variant.
Genome position (GRCh38, 1-based): chr11:2,885,407-2,885,422, CTGGTGCGCACTAGTA deleted on the plus strand (TACTAGTGCGCACCAG on the coding strand, the reverse complement: CDKN1C is on the minus strand); deleting any 16 consecutive bases within chr11:2,885,407-2,885,426 gives the same sequence; the c. name uses the placement nearest the transcript's 3' end. VCF-style (leftmost placement, unchanged base first): chr11-2885406-GCTGGTGCGCACTAGTA-G. GRCh37 (hg19) VCF-style: chr11-2906636-GCTGGTGCGCACTAGTA-G.
Other names: c.68_83del, p.Val23fs (NM_000076.2, NM_001362474.2); c.35_50del, p.Val12fs (NM_001122631.2, NM_001362475.2); short protein forms V23fs, V12fs.
Identifiers: ClinVar variation 2092531 (VCV002092531.4), dbSNP rs2494390854, ClinGen allele CA2580082695.
Genomic context (GRCh38, chr11:2,885,406, plus strand): 5'-GGCCTGCAGCTCGCGGCTCAGCTCCTCGTGGTCCACCGGCCCGAAGAGGCTGCGGCAGGC[GCTGGTGCGCACTAGTA>G]CTGGGAAGGTCCCACGGGCGACAAGACGCTCCATCGTGGATGTGCTGCGGAGGGACGCGT-3'

ClinVar aggregate classification (germline): Pathogenic (1 of 4 stars; one submission).

Conditions:
Beckwith-Wiedemann syndrome (BWS). Also called: Exomphalos macroglossia gigantism syndrome; EMG SYNDROME. Identifiers: Orphanet 116, MedGen C0004903, MONDO:0007534, OMIM 130650.

Submission:

Labcorp Genetics (formerly Invitae), Labcorp
Classification: Pathogenic for Beckwith-Wiedemann syndrome. Last evaluated: 2022-02-21. Review status: criteria provided, single submitter. Criteria: Invitae Variant Classification Sherloc (09022015). Collection method: clinical testing. Allele origin: germline.
Comment: For these reasons, this variant has been classified as Pathogenic. This variant has not been reported in the literature in individuals affected with CDKN1C-related conditions. This variant is not present in population databases (gnomAD no frequency). This sequence change creates a premature translational stop signal (p.Val23Alafs*15) in the CDKN1C gene. It is expected to result in an absent or disrupted protein product. Loss-of-function variants in CDKN1C are known to be pathogenic (PMID: 20503313).

Literature cited by the submitters: PubMed 20503313.